The following is an entry in ClinVar:

NM_001080414.4(CCDC88C):c.1624C>T (p.Gln542Ter)

Gene: CCDC88C (coiled-coil and HOOK domain protein 88C; minus strand). Cytogenetic location: 14q32.11.
Variant type: single nucleotide variant.
Coding change: c.1624C>T on transcript NM_001080414.4 (MANE Select); coding-DNA position 1624, C replaced by T.
Protein change: p.Gln542Ter; replaces glutamine 542 with a stop codon.
Molecular consequence: nonsense.
Genome position (GRCh38, 1-based): chr14:91,315,691, G>A on the plus strand (C>T on the coding strand, the complement: CCDC88C is on the minus strand). VCF-style: chr14-91315691-G-A. GRCh37 (hg19) VCF-style: chr14-91782035-G-A.
Other names: short protein forms Q542*.
Identifiers: ClinVar variation 2821870 (VCV002821870.4), dbSNP rs2544397939, ClinGen allele CA390634015.
Genomic context (GRCh38, chr14:91,315,691, plus strand): 5'-TAGTGGTGGAGGCACCTACCTGCCTGGCTTTGTCAGCCTTCAGGGTCTCCATGTCACTCT[G>A]CAGCTGCTCCTTCTCTCTGATCAGCTCCTCACTGAGGGTCTCCAGATCTTGGTTGCTCTG-3'

ClinVar aggregate classification (germline): Pathogenic. Review status: criteria provided, multiple submitters, no conflicts (2 of 4 stars). 2 submissions from 2 submitters: Pathogenic (2). Last evaluated 2025-07-02.

Conditions:
Hydrocephalus, nonsyndromic, autosomal recessive 1 (HYC1). Also called: Congenital hydrocephalus 1; Hydrocephalus, nonsyndromic, autosomal recessive. Identifiers: Orphanet 2185, MedGen C3887608, MONDO:0009360, OMIM 236600.

Submissions (2):

Myriad Genetics, Inc.
Classification: Pathogenic for Hydrocephalus, nonsyndromic, autosomal recessive 1. Last evaluated: 2025-07-02. Review status: criteria provided, single submitter. Criteria: Myriad Autosomal Dominant, Autosomal Recessive and X-Linked Classification Criteria (2023). Collection method: clinical testing. Allele origin: unknown.
Comment: NM_001080414.3(CCDC88C):c.1624C>T(Q542*) is expected to be pathogenic in the context of congenital hydrocephalus, CCDC88C-related. This variant is predicted to lead to an abnormal or absent protein product due to the creation of a premature termination codon in CCDC88C, a gene where loss-of-function variants are known to be pathogenic. Please note: this variant was assessed in the context of healthy population screening.

Labcorp Genetics (formerly Invitae), Labcorp
Classification: Pathogenic. Last evaluated: 2022-12-18. Review status: criteria provided, single submitter. Criteria: Invitae Variant Classification Sherloc (09022015). Collection method: clinical testing. Allele origin: germline.
Comment: This variant has not been reported in the literature in individuals affected with CCDC88C-related conditions. For these reasons, this variant has been classified as Pathogenic. This variant is not present in population databases (gnomAD no frequency). This sequence change creates a premature translational stop signal (p.Gln542*) in the CCDC88C gene. It is expected to result in an absent or disrupted protein product. Loss-of-function variants in CCDC88C are known to be pathogenic (PMID: 23042809, 29225145).

Literature cited by the submitters: PubMed 23042809 (cited by Labcorp Genetics (formerly Invitae), Labcorp); PubMed 29225145 (cited by Labcorp Genetics (formerly Invitae), Labcorp).